The following is an entry in ClinVar:

NM_007254.4(PNKP):c.1266C>T (p.Asp422=)

Gene: PNKP (polynucleotide kinase 3'-phosphatase; minus strand). Cytogenetic location: 19q13.33.
Variant type: single nucleotide variant.
Coding change: c.1266C>T on transcript NM_007254.4 (MANE Select); coding-DNA position 1266, C replaced by T.
Protein change: p.Asp422=; no amino-acid change (aspartic acid 422 retained).
Molecular consequence: synonymous variant.
Genome position (GRCh38, 1-based): chr19:49,861,804, G>A on the plus strand (C>T on the coding strand, the complement: PNKP is on the minus strand). VCF-style: chr19-49861804-G-A. GRCh37 (hg19) VCF-style: chr19-50365061-G-A.
Identifiers: ClinVar variation 511660 (VCV000511660.1), dbSNP rs1055603577, ClinGen allele CA309540058.

ClinVar aggregate classification (germline): Likely benign (1 of 4 stars; one submission).

Allele frequency attached by ClinVar (database versions not stated): gnomAD 0.00001; TOPMed 0.00001.
gnomAD v4.1: 2 of 1,577,366 alleles (0.00013%); highest among the groups gnomAD compares: South Asian, 0.0012%; no homozygotes.

Submission:

GeneDx
Classification: Likely benign. Last evaluated: 2017-08-25. Review status: criteria provided, single submitter. Criteria: GeneDx Variant Classification (06012015). Collection method: clinical testing. Allele origin: germline. Affected: yes.
Comment: This variant is considered likely benign or benign based on one or more of the following criteria: it is a conservative change, it occurs at a poorly conserved position in the protein, it is predicted to be benign by multiple in silico algorithms, and/or has population frequency not consistent with disease.